The following is an entry in ClinVar:

ClinVar aggregate classification (germline): Uncertain significance. Review status: criteria provided, multiple submitters, no conflicts (2 of 4 stars). 5 submissions from 5 submitters: Uncertain significance (5). Last evaluated 2025-09-03.

Conditions:
Familial adenomatous polyposis 1 (FAP1). Also called: FAMILIAL ADENOMATOUS POLYPOSIS 1, ATTENUATED; POLYPOSIS, ADENOMATOUS INTESTINAL. Identifiers: MedGen C2713442, MONDO:0021056, OMIM 175100. Disease mechanism: loss of function.
Desmoid disease, hereditary (DESMD). Also called: FIBROMATOSIS, FAMILIAL INFILTRATIVE. Identifiers: Orphanet 873, MedGen C1851124, OMIM 135290. Disease mechanism: loss of function.
Colorectal cancer. Also called: Colorectal cancer, somatic; Malignant Colorectal Neoplasm. Identifiers: MedGen C0346629, MONDO:0005575, OMIM 114500.
Gastric adenocarcinoma and proximal polyposis of the stomach (GAPPS). Also called: POLYPOSIS, GASTRIC; Polyposis, gastric, Dos Santos and de Magalhaes 1980; Gastric Adenocarcinoma and Proximal Polyposis of the Stomach (GAPPS). Identifiers: Orphanet 314022, MedGen C4749917, MONDO:0017790, OMIM 619182.
Hepatocellular carcinoma (HCC). Also called: HEPATOMA; LIVER CELL CARCINOMA; Primary carcinoma of liver. Identifiers: Orphanet 88673, MedGen C2239176, MONDO:0007256, OMIM 114550, HP:0001402.
Gastric cancer. Also called: Stomach cancer; Malignant tumor of stomach. Identifiers: MedGen C0024623, MeSH D013274, MONDO:0001056, OMIM 613659, HP:0012126.
Hereditary cancer-predisposing syndrome. Also called: Hereditary neoplastic syndrome; Neoplastic Syndromes, Hereditary; Hereditary Cancer Syndrome; Tumor predisposition. Identifiers: Orphanet 140162, MedGen C0027672, MeSH D009386, MONDO:0015356.

gnomAD v4.1: 9 of 1,612,404 alleles (0.00056%); highest among the groups gnomAD compares: Non-Finnish European, 0.00076%; no homozygotes.

Submissions (5):

Labcorp Genetics (formerly Invitae), Labcorp
Classification: Uncertain significance for Familial adenomatous polyposis 1. Last evaluated: 2025-09-03. Review status: criteria provided, single submitter. Criteria: Invitae Variant Classification Sherloc (09022015). Collection method: clinical testing. Allele origin: germline.
Comment: This sequence change replaces serine, which is neutral and polar, with threonine, which is neutral and polar, at codon 296 of the APC protein (p.Ser296Thr). This variant is not present in population databases (gnomAD no frequency). This variant has not been reported in the literature in individuals affected with APC-related conditions. ClinVar contains an entry for this variant (Variation ID: 925531). Invitae Evidence Modeling of protein sequence and biophysical properties (such as structural, functional, and spatial information, amino acid conservation, physicochemical variation, residue mobility, and thermodynamic stability) indicates that this missense variant is not expected to disrupt APC protein function with a negative predictive value of 95%. In summary, the available evidence is currently insufficient to determine the role of this variant in disease. Therefore, it has been classified as a Variant of Uncertain Significance.

Fulgent Genetics
Classification: Uncertain significance for Colorectal cancer; Hepatocellular carcinoma; Desmoid disease, hereditary; Familial adenomatous polyposis 1; Gastric cancer; Gastric adenocarcinoma and proximal polyposis of the stomach. Last evaluated: 2024-06-21. Review status: criteria provided, single submitter. Criteria: ACMG Guidelines, 2015. Collection method: clinical testing. Allele origin: germline.

Ambry Genetics
Classification: Uncertain significance for Hereditary cancer-predisposing syndrome. Last evaluated: 2024-04-07. Review status: criteria provided, single submitter. Criteria: Ambry Variant Classification Scheme 2023. Collection method: clinical testing. Allele origin: germline.
Comment: The p.S296T variant (also known as c.887G>C), located in coding exon 8 of the APC gene, results from a G to C substitution at nucleotide position 887. The serine at codon 296 is replaced by threonine, an amino acid with similar properties. This amino acid position is well conserved in available vertebrate species. In addition, in silico predictors for this gene do not accurately predict pathogenicity. Since supporting evidence is limited at this time, the clinical significance of this alteration remains unclear.

Baylor Genetics
Classification: Uncertain significance for Familial adenomatous polyposis 1. Last evaluated: 2023-05-10. Review status: criteria provided, single submitter. Criteria: ACMG Guidelines, 2015. Collection method: clinical testing. Allele origin: unknown.

Color Diagnostics, LLC DBA Color Health
Classification: Uncertain significance for Hereditary cancer-predisposing syndrome. Last evaluated: 2019-10-10. Review status: criteria provided, single submitter. Criteria: ACMG Guidelines, 2015. Collection method: clinical testing. Allele origin: germline.
Comment: This missense variant replaces serine with threonine at codon 296 of the APC protein. Computational prediction tool suggests that this variant may not impact protein structure and function (internally defined REVEL score threshold ≤0.5, PMID: 27666373). Splice site prediction tools suggest that this variant may not impact RNA splicing. To our knowledge, functional studies have not been performed for this variant. This variant has not been reported in individuals affected with hereditary cancer in the literature. This variant has not been identified in the general population by the Genome Aggregation Database (gnomAD). The available evidence is insufficient to determine the role of this variant in disease conclusively. Therefore, this variant is classified as a Variant of Uncertain Significance.

NM_000038.6(APC):c.887G>C (p.Ser296Thr)

Gene: APC (APC regulator of Wnt signaling pathway; plus strand). Cytogenetic location: 5q22.2.
Variant type: single nucleotide variant.
Coding change: c.887G>C on transcript NM_000038.6 (MANE Select); coding-DNA position 887, G replaced by C.
Protein change: p.Ser296Thr; replaces serine 296 with threonine.
Molecular consequence: missense variant.
Genome position (GRCh38, 1-based): chr5:112,815,547, G>C. VCF-style: chr5-112815547-G-C. GRCh37 (hg19) VCF-style: chr5-112151244-G-C.
Other names: c.887G>C, p.Ser296Thr (NM_001127510.3, NM_001354895.2, NM_001354896.2 and 1 more transcripts); c.833G>C, p.Ser278Thr (NM_001127511.3); c.917G>C, p.Ser306Thr (NM_001354897.2, NM_001354902.2); c.812G>C, p.Ser271Thr (NM_001354898.2, NM_001354904.2); c.803G>C, p.Ser268Thr (NM_001354899.2); c.710G>C, p.Ser237Thr (NM_001354900.2, NM_001354901.2, NM_001354905.2); c.38G>C, p.Ser13Thr (NM_001354906.2); short protein forms S237T, S271T, S278T, S306T, S13T, S268T, S296T.
Identifiers: ClinVar variation 925531 (VCV000925531.14), dbSNP rs1762421045, ClinGen allele CA16023258.